The following is an entry in ClinVar:

NM_001110556.2(FLNA):c.2783A>G (p.His928Arg)

Gene: FLNA (filamin A; minus strand). Cytogenetic location: Xq28.
Variant type: single nucleotide variant.
Coding change: c.2783A>G on transcript NM_001110556.2 (MANE Select); coding-DNA position 2783, A replaced by G.
Protein change: p.His928Arg; replaces histidine 928 with arginine.
Molecular consequence: missense variant.
Genome position (GRCh38, 1-based): chrX:154,362,022, T>C on the plus strand (A>G on the coding strand, the complement: FLNA is on the minus strand). VCF-style: chrX-154362022-T-C. GRCh37 (hg19) VCF-style: chrX-153590390-T-C.
Other names: c.2783A>G (NM_001456.3); c.2783A>G, p.His928Arg (NM_001456.4); short protein forms H928R.
Identifiers: ClinVar variation 1361850 (VCV001361850.9), dbSNP rs1209463656, ClinGen allele CA415232570.

ClinVar aggregate classification (germline): Conflicting classifications of pathogenicity. Review status: criteria provided, conflicting classifications (1 of 4 stars). 2 submissions from 2 submitters: Uncertain significance (1); Benign (1). Last evaluated 2026-03-29.

Conditions:
Heterotopia, periventricular, X-linked dominant (PVNH1). Also called: PERIVENTRICULAR NODULAR HETEROTOPIA 4; HETEROTOPIA, PERIVENTRICULAR, 1; PERIVENTRICULAR NODULAR HETEROTOPIA 1; X-linked periventricular heterotopia. Identifiers: Orphanet 2149, Orphanet 82004, MedGen C1848213, MONDO:0010233, OMIM 300049.
Melnick-Needles syndrome (MNS). Also called: MELNICK-NEEDLES OSTEODYSPLASTY; OSTEODYSPLASTY OF MELNICK AND NEEDLES; Melnick-Needles Syndrome (FLNA-MNS). Identifiers: Orphanet 2484, MedGen C0025237, MONDO:0010650, OMIM 309350.
Oto-palato-digital syndrome, type II (OPD2). Also called: FACIOPALATOOSSEOUS SYNDROME; OPD II SYNDROME; Otopalatodigital Syndrome Type 2 (FLNA-OPD2); Otopalatodigital Syndrome, Type II. Identifiers: Orphanet 669, Orphanet 90652, MedGen C1844696, MONDO:0010571, OMIM 304120.
Frontometaphyseal dysplasia (FMD1). Identifiers: Orphanet 1826, MedGen C0265293, MONDO:0015942.
Familial thoracic aortic aneurysm and aortic dissection (TAAD). Also called: Thoracic aortic aneurysms and dissections. Identifiers: Orphanet 91387, MedGen C4707243, MONDO:0019625.

Allele frequency attached by ClinVar (database versions not stated): gnomAD exomes 0.00001; TOPMed 0.00001.

Submissions (2):

Ambry Genetics
Classification: Uncertain significance for Familial thoracic aortic aneurysm and aortic dissection. Last evaluated: 2026-03-29. Review status: criteria provided, single submitter. Criteria: Ambry Variant Classification Scheme 2023. Collection method: clinical testing. Allele origin: germline.
Comment: The p.H928R variant (also known as c.2783A>G), located in coding exon 18 of the FLNA gene, results from an A to G substitution at nucleotide position 2783. The histidine at codon 928 is replaced by arginine, an amino acid with highly similar properties. This amino acid position is conserved. In addition, this alteration is predicted to be tolerated by in silico analysis. Based on the available evidence, the clinical significance of this variant remains unclear.

Labcorp Genetics (formerly Invitae), Labcorp
Classification: Benign for Oto-palato-digital syndrome, type II; Heterotopia, periventricular, X-linked dominant; Frontometaphyseal dysplasia; Melnick-Needles syndrome. Last evaluated: 2022-12-06. Review status: criteria provided, single submitter. Criteria: Invitae Variant Classification Sherloc (09022015). Collection method: clinical testing. Allele origin: germline.